The following is an entry in ClinVar:

NM_001182.5(ALDH7A1):c.1292C>T (p.Pro431Leu)

Gene: ALDH7A1 (aldehyde dehydrogenase 7 family member A1; minus strand). Cytogenetic location: 5q23.2.
Variant type: single nucleotide variant.
Coding change: c.1292C>T on transcript NM_001182.5 (MANE Select); coding-DNA position 1292, C replaced by T.
Protein change: p.Pro431Leu; replaces proline 431 with leucine.
Molecular consequence: missense variant.
Genome position (GRCh38, 1-based): chr5:126,552,046, G>A on the plus strand (C>T on the coding strand, the complement: ALDH7A1 is on the minus strand). VCF-style: chr5-126552046-G-A. GRCh37 (hg19) VCF-style: chr5-125887738-G-A.
Other names: c.1208C>T, p.Pro403Leu (NM_001201377.2); c.1100C>T, p.Pro367Leu (NM_001202404.2); c.1292C>T (NM_001182.4); short protein forms P367L, P403L, P431L.
Identifiers: ClinVar variation 870697 (VCV000870697.52), dbSNP rs151107837, ClinGen allele CA3389464.

ClinVar aggregate classification (germline): Pathogenic/Likely pathogenic. Review status: criteria provided, multiple submitters, no conflicts (2 of 4 stars). 7 submissions from 7 submitters: Pathogenic (6); Likely pathogenic (1). Last evaluated 2026-01-26.

Conditions:
ALDH7A1-related disorder. Also called: ALDH7A1-related condition.
Inborn genetic diseases. Identifiers: MedGen C0950123, MeSH D030342.
Pyridoxine-dependent epilepsy (EPEO4). Also called: Pyridoxine-Dependent Epilepsy - ALDH7A1; PYRIDOXINE DEPENDENCY WITH SEIZURES; Pyridoxine-Dependent Seizures; EPILEPSY, EARLY-ONSET, 4, VITAMIN B6-DEPENDENT. Identifiers: Orphanet 3006, MedGen C1849508, MONDO:0009945, OMIM 266100. Disease mechanism: loss of function.

Allele frequency attached by ClinVar (database versions not stated): gnomAD exomes 0.00001 and 0.00003; ExAC 0.00002; TOPMed 0.00002; ESP Exome Variant Server 0.00008.
gnomAD v4.1: 17 of 1,613,548 alleles (0.0011%); highest among the groups gnomAD compares: East Asian, 0.0067%; no homozygotes.

Submissions (7):

Ambry Genetics
Classification: Pathogenic for Inborn genetic diseases. Last evaluated: 2026-01-26. Review status: criteria provided, single submitter. Criteria: Ambry Variant Classification Scheme 2023. Collection method: clinical testing. Allele origin: germline.
Comment: The c.1292C>T (p.P431L) alteration is located in exon 14 (coding exon 14) of the ALDH7A1 gene. This alteration results from a C to T substitution at nucleotide position 1292, causing the proline (P) at amino acid position 431 to be replaced by a leucine (L). Based on data from gnomAD, the T allele has an overall frequency of 0.003% (8/251198) total alleles studied. The highest observed frequency was 0.01% (3/30604) of South Asian alleles. This variant has been identified in the homozygous state and in conjunction with other ALDH7A1 variants in individuals with features consistent with ALDH7A1-related pyridoxine-dependent epilepsy; in at least one instance, the variants were identified in trans (Kanno, 2007, Coughlin, 2019. Akiyama, 2020). This amino acid position is highly conserved in available vertebrate species. The p.P431L alteration is predicted to be deleterious by in silico analysis. Based on the available evidence, this alteration is classified as pathogenic.

Labcorp Genetics (formerly Invitae), Labcorp
Classification: Pathogenic for Pyridoxine-dependent epilepsy. Last evaluated: 2025-02-23. Review status: criteria provided, single submitter. Criteria: Invitae Variant Classification Sherloc (09022015). Collection method: clinical testing. Allele origin: germline.
Comment: This sequence change replaces proline, which is neutral and non-polar, with leucine, which is neutral and non-polar, at codon 431 of the ALDH7A1 protein (p.Pro431Leu). This variant is present in population databases (rs151107837, gnomAD 0.01%). This missense change has been observed in individual(s) with pyridoxine dependent seizure disorder (PMID: 17433748, 19142996, 26995068). In at least one individual the data is consistent with being in trans (on the opposite chromosome) from a pathogenic variant. This variant is also known as 1208C>T (Pro403Leu). ClinVar contains an entry for this variant (Variation ID: 870697). Invitae Evidence Modeling of protein sequence and biophysical properties (such as structural, functional, and spatial information, amino acid conservation, physicochemical variation, residue mobility, and thermodynamic stability) indicates that this missense variant is expected to disrupt ALDH7A1 protein function with a positive predictive value of 95%. For these reasons, this variant has been classified as Pathogenic.

Women's Health and Genetics/Laboratory Corporation of America, LabCorp
Classification: Pathogenic for Pyridoxine-dependent epilepsy. Last evaluated: 2024-11-04. Review status: criteria provided, single submitter. Criteria: LabCorp Variant Classification Summary - May 2015. Collection method: clinical testing. Allele origin: germline.
Comment: Variant summary: ALDH7A1 c.1292C>T (p.Pro431Leu) results in a non-conservative amino acid change in the encoded protein sequence. Five of five in-silico tools predict a damaging effect of the variant on protein function. The variant allele was found at a frequency of 3.2e-05 in 251198 control chromosomes. c.1292C>T has been reported in the literature in multiple compound heterozygous or homozygous individuals affected with Pyridoxine-Dependent Epilepsy (e.g. Al Teneji_2017, Kanno_2007, Coughlin_2019). These data indicate that the variant is very likely to be associated with disease. To our knowledge, no experimental evidence demonstrating an impact on protein function has been reported. The following publications have been ascertained in the context of this evaluation (PMID: 27882480, 30043187, 17433748). ClinVar contains an entry for this variant (Variation ID: 870697). Based on the evidence outlined above, the variant was classified as pathogenic.

Genome-Nilou Lab
Classification: Pathogenic for Pyridoxine-dependent epilepsy. Last evaluated: 2023-04-11. Review status: criteria provided, single submitter. Criteria: ACMG Guidelines, 2015. Collection method: clinical testing. Allele origin: germline. Affected: no.

Blueprint Genetics
Classification: Pathogenic for ALDH7A1-related disorders. Last evaluated: 2022-10-13. Review status: criteria provided, single submitter. Criteria: ACMG Guidelines, 2015. Collection method: clinical testing. Allele origin: germline. Affected: yes. Observed: 2 variant alleles.

CeGaT Center for Human Genetics Tuebingen
Classification: Pathogenic. Last evaluated: 2017-01-01. Review status: criteria provided, single submitter. Criteria: CeGaT Center For Human Genetics Tuebingen Variant Classification Criteria Version 2. Collection method: clinical testing. Allele origin: germline. Affected: yes. Observed: 1 variant allele.

Lifecell International Pvt. Ltd
Classification: Likely pathogenic for Pyridoxine-dependent epilepsy. Review status: criteria provided, single submitter. Criteria: ACMG Guidelines, 2015. Collection method: clinical testing. Allele origin: germline. Inheritance: Autosomal recessive inheritance. Affected: yes.
Comment: A Homozygote Missense variant c.1292C>T in Exon 14 of the ALDH7A1 gene that results in the amino acid substitution p.Pro431Leu was identified. The observed variant has a minor allele frequency of 0.00003 in gnomAD exomes and is novel in genomes. The severity of the impact of this variant on the protein is high, based on the effect of the protein and REVEL score . Rare Exome Variant Ensemble Learner (REVEL) is an ensembl method for predicting the pathogenicity of missense variants based on a combination of scores from 13 individual tools: MutPred, FATHMM v2.3, VEST 3.0, PolyPhen-2, SIFT, PROVEAN, MutationAssessor, MutationTaster, LRT, GERP++, SiPhy, phyloP, and phastCons. The REVEL score for an individual missense variant can range from 0 to 1, with higher scores reflecting greater likelihood that the variant is disease-causing. ClinVar has also classified this variant as Pathogenic [Variant ID : 870697]. The observed variation has previously been reported for Pyridoxine-dependent epilepsy by van Karnebeek, Clara DM, et al., 2016. For these reasons this variant has been classified as Likely Pathogenic.

Literature cited by the submitters: PubMed 17433748 (cited by 3 submitters); PubMed 30043187 (cited by Ambry Genetics and Women's Health and Genetics/Laboratory Corporation of America, LabCorp); PubMed 32980745 (cited by Ambry Genetics); PubMed 19142996 (cited by Labcorp Genetics (formerly Invitae), Labcorp); PubMed 26995068 (cited by Labcorp Genetics (formerly Invitae), Labcorp and Lifecell International Pvt. Ltd); PubMed 27882480 (cited by Women's Health and Genetics/Laboratory Corporation of America, LabCorp).